The following is an entry in ClinVar:

NM_000371.4(TTR):c.242A>C (p.Glu81Ala)

Gene: TTR (transthyretin; plus strand). Cytogenetic location: 18q12.1.
Variant type: single nucleotide variant.
Coding change: c.242A>C on transcript NM_000371.4 (MANE Select); coding-DNA position 242, A replaced by C.
Protein change: p.Glu81Ala; replaces glutamic acid 81 with alanine.
Molecular consequence: missense variant.
Genome position (GRCh38, 1-based): chr18:31,595,161, A>C. VCF-style: chr18-31595161-A-C. GRCh37 (hg19) VCF-style: chr18-29175124-A-C.
Other names: short protein forms E81A.
Identifiers: ClinVar variation 1791134 (VCV001791134.3), dbSNP rs1567946170, ClinGen allele CA402156963.

ClinVar aggregate classification (germline): Conflicting classifications of pathogenicity. Review status: criteria provided, conflicting classifications (1 of 4 stars). 2 submissions from 2 submitters: Likely pathogenic (1); Uncertain significance (1). Last evaluated 2025-06-09.

Conditions:
Cardiovascular phenotype. Identifiers: MedGen CN230736.

Submissions (2):

Women's Health and Genetics/Laboratory Corporation of America, LabCorp
Classification: Uncertain significance. Last evaluated: 2025-06-09. Review status: criteria provided, single submitter. Criteria: LabCorp Variant Classification Summary - May 2015. Collection method: clinical testing. Allele origin: germline.
Comment: Variant summary: TTR c.242A>C (p.Glu81Ala) results in a non-conservative amino acid change in the encoded protein sequence. Algorithms developed to predict the effect of missense changes on protein structure and function are either unavailable or do not agree on the potential impact of this missense change. The variant was absent in 251446 control chromosomes. The available data on variant occurrences in the general population are insufficient to allow any conclusion about variant significance. c.242A>C has been observed in individual(s) affected with Transthyretin Amyloidosis (Cuddy_2020). These data do not allow any conclusion about variant significance. To our knowledge, no experimental evidence demonstrating an impact on protein function has been reported. The following publication have been ascertained in the context of this evaluation (PMID: 32718247). ClinVar contains an entry for this variant (Variation ID: 1791134). Based on the evidence outlined above, the variant was classified as uncertain significance.

Ambry Genetics
Classification: Likely pathogenic for Cardiovascular phenotype. Last evaluated: 2019-03-10. Review status: criteria provided, single submitter. Criteria: Ambry Variant Classification Scheme 2023. Collection method: clinical testing. Allele origin: germline.
Comment: The p.E81A variant (also known as c.242A>C), located in coding exon 3 of the TTR gene, results from an A to C substitution at nucleotide position 242. The glutamic acid at codon 81 is replaced by alanine, an amino acid with dissimilar properties. Two variants affecting this codon, p.E81G and p.E81K (also known as E61G and E61K, respectively), have been reported in individuals with transthyretin amyloidosis (Rosenzweig M et al. Amyloid, 2007 Mar;14:65-71; Noto Y et al. Amyloid, 2009;16:99-102; Murakami T et al. J. Neurol. Sci., 2017 Oct;381:55-58). This amino acid position is poorly conserved in available vertebrate species. This variant was not reported in the gnomAD database, with coverage at this position. In addition, the in silico prediction for this alteration is inconclusive. Based on the majority of available evidence to date, this variant is likely to be pathogenic.

Literature cited by the submitters: PubMed 32718247 (cited by Women's Health and Genetics/Laboratory Corporation of America, LabCorp); PubMed 17453626 (cited by Ambry Genetics); PubMed 20536403 (cited by Ambry Genetics); PubMed 28991715 (cited by Ambry Genetics).